The following is an entry in ClinVar:

NM_002772.3(TMPRSS15):c.1780+1G>T

Gene: TMPRSS15 (transmembrane serine protease 15; minus strand). Cytogenetic location: 21q21.1.
Variant type: single nucleotide variant.
Coding change: c.1780+1G>T on transcript NM_002772.3 (MANE Select); the canonical splice donor site of the intron after coding-DNA position 1780, G replaced by T.
Molecular consequence: splice donor variant.
Genome position (GRCh38, 1-based): chr21:18,329,168, C>A on the plus strand (G>T on the coding strand, the complement: TMPRSS15 is on the minus strand). VCF-style: chr21-18329168-C-A. GRCh37 (hg19) VCF-style: chr21-19701485-C-A.
Other names: c.1780+1G>T (NM_001428057.1); c.1915+1G>T (NM_001428056.1).
Identifiers: ClinVar variation 4726429 (VCV004726429.1).
Genomic context (GRCh38, chr21:18,329,168, plus strand): 5'-TTTCCATCAGCACAACATCTTGAGCTTTACAACCTTTACAATATTCAGATTGCAGACTTA[C>A]CTAAGAGCAAGGAATCAGCTTCTTCACCATCTCTTATTTCAACTACATCGTTAATATTTT-3'

ClinVar aggregate classification (germline): Likely pathogenic (1 of 4 stars; one submission).

Submission:

Labcorp Genetics (formerly Invitae), Labcorp
Classification: Likely pathogenic. Last evaluated: 2025-09-08. Review status: criteria provided, single submitter. Criteria: Invitae Variant Classification Sherloc (09022015). Collection method: clinical testing. Allele origin: germline.
Comment: This sequence change affects a donor splice site in intron 15 of the TMPRSS15 gene. It is expected to disrupt RNA splicing. Variants that disrupt the donor or acceptor splice site typically lead to a loss of protein function (PMID: 16199547), and loss-of-function variants in TMPRSS15 are known to be pathogenic (PMID: 11719902). This variant is not present in population databases (gnomAD no frequency). This variant has not been reported in the literature in individuals affected with TMPRSS15-related conditions. Algorithms developed to predict the effect of sequence changes on RNA splicing suggest that this variant may disrupt the consensus splice site. In summary, the currently available evidence indicates that the variant is pathogenic, but additional data are needed to prove that conclusively. Therefore, this variant has been classified as Likely Pathogenic.

Literature cited by the submitters: PubMed 16199547; PubMed 11719902.